The following is an entry in ClinVar:

NM_005918.4(MDH2):c.244G>A (p.Gly82Arg)

Gene: MDH2 (malate dehydrogenase 2; plus strand). Cytogenetic location: 7q11.23.
Variant type: single nucleotide variant.
Coding change: c.244G>A on transcript NM_005918.4 (MANE Select); coding-DNA position 244, G replaced by A.
Protein change: p.Gly82Arg; replaces glycine 82 with arginine.
Molecular consequence: missense variant. On other transcripts: 5 prime UTR variant (1).
Genome position (GRCh38, 1-based): chr7:76,057,418, G>A. VCF-style: chr7-76057418-G-A. GRCh37 (hg19) VCF-style: chr7-75686736-G-A.
Other names: c.244G>A, p.Gly82Arg (NM_001282403.2); c.-78G>A (NM_001282404.2); short protein forms G82R.
Identifiers: ClinVar variation 1355587 (VCV001355587.19), dbSNP rs1400068042, ClinGen allele CA367763282.

ClinVar aggregate classification (germline): Uncertain significance. Review status: criteria provided, multiple submitters, no conflicts (2 of 4 stars). 2 submissions from 2 submitters: Uncertain significance (2). Last evaluated 2024-09-01.

Allele frequency attached by ClinVar (database versions not stated): gnomAD exomes 0.00001; gnomAD 0.00003 and 0.00004; TOPMed 0.00003.
gnomAD v4.1: 28 of 1,614,028 alleles (0.0017%); highest among the groups gnomAD compares: African/African-American, 0.0067%; no homozygotes.

Submissions (2):

CeGaT Center for Human Genetics Tuebingen
Classification: Uncertain significance. Last evaluated: 2024-09-01. Review status: criteria provided, single submitter. Criteria: CeGaT Center For Human Genetics Tuebingen Variant Classification Criteria Version 2. Collection method: clinical testing. Allele origin: germline. Affected: yes. Observed: 1 variant allele.
Comment: MDH2: PM2

Labcorp Genetics (formerly Invitae), Labcorp
Classification: Uncertain significance. Last evaluated: 2024-08-05. Review status: criteria provided, single submitter. Criteria: Invitae Variant Classification Sherloc (09022015). Collection method: clinical testing. Allele origin: germline.
Comment: This sequence change replaces glycine, which is neutral and non-polar, with arginine, which is basic and polar, at codon 82 of the MDH2 protein (p.Gly82Arg). This variant is present in population databases (no rsID available, gnomAD 0.01%). This variant has not been reported in the literature in individuals affected with MDH2-related conditions. ClinVar contains an entry for this variant (Variation ID: 1355587). Advanced modeling of protein sequence and biophysical properties (such as structural, functional, and spatial information, amino acid conservation, physicochemical variation, residue mobility, and thermodynamic stability) has been performed at Invitae for this missense variant, however the output from this modeling did not meet the statistical confidence thresholds required to predict the impact of this variant on MDH2 protein function. In summary, the available evidence is currently insufficient to determine the role of this variant in disease. Therefore, it has been classified as a Variant of Uncertain Significance.